The following is an entry in ClinVar:

ClinVar aggregate classification (germline): Uncertain significance (1 of 4 stars; one submission).

Submission:

CeGaT Center for Human Genetics Tuebingen
Classification: Uncertain significance. Last evaluated: 2024-12-01. Review status: criteria provided, single submitter. Criteria: CeGaT Center For Human Genetics Tuebingen Variant Classification Criteria Version 2. Collection method: clinical testing. Allele origin: germline. Affected: yes. Observed: 1 variant allele.
Comment: APC: PM2

NM_000038.6(APC):c.5509A>T (p.Ser1837Cys)

Gene: APC (APC regulator of Wnt signaling pathway; plus strand). Cytogenetic location: 5q22.2.
Variant type: single nucleotide variant.
Coding change: c.5509A>T on transcript NM_000038.6 (MANE Select); coding-DNA position 5509, A replaced by T.
Protein change: p.Ser1837Cys; replaces serine 1837 with cysteine.
Molecular consequence: missense variant. On other transcripts: non-coding transcript variant (2).
Genome position (GRCh38, 1-based): chr5:112,841,103, A>T. VCF-style: chr5-112841103-A-T. GRCh37 (hg19) VCF-style: chr5-112176800-A-T.
Other names: c.5509A>T, p.Ser1837Cys (NM_001127510.3, NM_001354895.2, NM_001407450.1); c.5455A>T, p.Ser1819Cys (NM_001127511.3); c.5563A>T, p.Ser1855Cys (NM_001354896.2, NM_001407447.1, NM_001407448.1 and 1 more transcripts); c.5539A>T, p.Ser1847Cys (NM_001354897.2); c.5434A>T, p.Ser1812Cys (NM_001354898.2); c.5425A>T, p.Ser1809Cys (NM_001354899.2); c.5386A>T, p.Ser1796Cys (NM_001354900.2); c.5332A>T, p.Ser1778Cys (NM_001354901.2, NM_001407453.1); and 11 more; short protein forms S1453C, S1554C, S1677C, S1708C, S1711C, S1736C, S1746C, S1754C.
Identifiers: ClinVar variation 3772010 (VCV003772010.13).